The following is an entry in ClinVar:

NM_002439.5(MSH3):c.983G>T (p.Arg328Leu)

Genes: MSH3 (mutS homolog 3; plus strand), LOC126807437 (MED14-independent group 3 enhancer GRCh37_chr5:79968379-79969578; plus strand). Cytogenetic location: 5q14.1.
Variant type: single nucleotide variant.
Coding change: c.983G>T on transcript NM_002439.5 (MANE Select); coding-DNA position 983, G replaced by T.
Protein change: p.Arg328Leu; replaces arginine 328 with leucine.
Molecular consequence: missense variant.
Genome position (GRCh38, 1-based): chr5:80,672,814, G>T. VCF-style: chr5-80672814-G-T. GRCh37 (hg19) VCF-style: chr5-79968633-G-T.
Other names: short protein forms R328L.
Identifiers: ClinVar variation 3398757 (VCV003398757.1).

ClinVar aggregate classification (germline): Uncertain significance (1 of 4 stars; one submission).

Conditions:
Hereditary cancer-predisposing syndrome. Also called: Hereditary Cancer Syndrome; Tumor predisposition; Hereditary neoplastic syndrome; Neoplastic Syndromes, Hereditary. Identifiers: Orphanet 140162, MedGen C0027672, MeSH D009386, MONDO:0015356.

Submission:

Ambry Genetics
Classification: Uncertain significance for Hereditary cancer-predisposing syndrome. Last evaluated: 2024-10-28. Review status: criteria provided, single submitter. Criteria: Ambry Variant Classification Scheme 2023. Collection method: clinical testing. Allele origin: germline.
Comment: The p.R328L variant (also known as c.983G>T), located in coding exon 6 of the MSH3 gene, results from a G to T substitution at nucleotide position 983. The arginine at codon 328 is replaced by leucine, an amino acid with dissimilar properties. This amino acid position is conserved. In addition, this alteration is predicted to be deleterious by in silico analysis. Based on the available evidence, the clinical significance of this variant remains unclear.